The following is an entry in ClinVar:

ClinVar aggregate classification (germline): Uncertain significance (1 of 4 stars; one submission).

Conditions:
Long QT syndrome 10 (LQT10). Identifiers: Orphanet 101016, Orphanet 768, MedGen C2678484, MONDO:0012737, OMIM 611819.

Submission:

Labcorp Genetics (formerly Invitae), Labcorp
Classification: Uncertain significance for Long QT syndrome 10. Last evaluated: 2024-10-22. Review status: criteria provided, single submitter. Criteria: Invitae Variant Classification Sherloc (09022015). Collection method: clinical testing. Allele origin: germline.
Comment: This sequence change replaces glutamic acid, which is acidic and polar, with leucine, which is neutral and non-polar, at codon 81 of the SCN4B protein (p.Glu81Leu). Information on the frequency of this variant in the gnomAD database is not available, as this variant may be reported differently in the database. This variant has not been reported in the literature in individuals affected with SCN4B-related conditions. ClinVar contains an entry for this variant (Variation ID: 2166933). An algorithm developed to predict the effect of missense changes on protein structure and function (PolyPhen-2) suggests that this variant is likely to be tolerated. In summary, the available evidence is currently insufficient to determine the role of this variant in disease. Therefore, it has been classified as a Variant of Uncertain Significance.

NM_174934.4(SCN4B):c.241_242delinsTT (p.Glu81Leu)

Genes: SCN4B (sodium voltage-gated channel beta subunit 4; minus strand), LOC126861356 (BRD4-independent group 4 enhancer GRCh37_chr11:118014519-118015718; plus strand). Cytogenetic location: 11q23.3.
Variant type: Indel.
Coding change: c.241_242delinsTT on transcript NM_174934.4 (MANE Select); coding-DNA positions 241 to 242, GA replaced by TT.
Protein change: p.Glu81Leu; replaces glutamic acid 81 with leucine.
Molecular consequence: missense variant. On other transcripts: 5 prime UTR variant (1), non-coding transcript variant (1), intron variant (1).
Genome position (GRCh38, 1-based): chr11:118,144,054-118,144,055, TC replaced by AA on the plus strand (GA replaced by TT on the coding strand, the reverse complement: SCN4B is on the minus strand). VCF-style: chr11-118144054-TC-AA. GRCh37 (hg19) VCF-style: chr11-118014769-TC-AA.
Other names: c.-90_-89delinsTT (NM_001142349.2); c.62-2719_62-2718delinsTT (NM_001142348.2); short protein forms E81L.
Identifiers: ClinVar variation 2166933 (VCV002166933.4), dbSNP rs2497564701, ClinGen allele CA2580083574.
Genomic context (GRCh38, chr11:118,144,054, plus strand): 5'-ATGCGGTCATCGTCTTTCAACGTCACCTTGGGGTCAGACTTCTCATTCTTCACAGTCCCC[TC>AA]TATGAGCTGGTGGAGGAAGGGAGTTGGGGTGAGAAAGTAGCCGAGAAAGAATCGGGGTCC-3'
Protein context (NP_777594.1, residues 71-91): NSSDAFKILI[Glu81Leu]GTVKNEKSDP